The following is an entry in ClinVar:

NM_014141.6(CNTNAP2):c.1709C>T (p.Ser570Leu)

Gene: CNTNAP2 (contactin associated protein 2; plus strand). Cytogenetic location: 7q35.
Variant type: single nucleotide variant.
Coding change: c.1709C>T on transcript NM_014141.6 (MANE Select); coding-DNA position 1709, C replaced by T.
Protein change: p.Ser570Leu; replaces serine 570 with leucine.
Molecular consequence: missense variant.
Genome position (GRCh38, 1-based): chr7:147,485,973, C>T. VCF-style: chr7-147485973-C-T. GRCh37 (hg19) VCF-style: chr7-147183065-C-T.
Other names: p.S570L:TCG>TTG; short protein forms S570L.
Identifiers: ClinVar variation 205215 (VCV000205215.21), dbSNP rs377627481, ClinGen allele CA314070.
Genomic context (GRCh38, chr7:147,485,973, plus strand): 5'-TGTTTGTCTCTCTCTCTGACAGATGTGTGCCCAATCACTGTGAGCATGGTGGAAAGTGCT[C>T]GCAAACATGGGACAGCTTCAAATGCACTTGTGATGAGACAGGATACAGTGGGGCCACCTG-3'
Protein context (NP_054860.1, residues 560-580): PNHCEHGGKC[Ser570Leu]QTWDSFKCTC

ClinVar aggregate classification (germline): Uncertain significance. Review status: criteria provided, multiple submitters, no conflicts (2 of 4 stars). 9 submissions from 9 submitters: Uncertain significance (8). 1 of the submissions does not count toward it. Last evaluated 2026-06-25.

Conditions:
CNTNAP2-related disorder. Also called: CNTNAP2-related condition.
Inborn genetic diseases. Identifiers: MedGen C0950123, MeSH D030342.
Cortical dysplasia-focal epilepsy syndrome (PTHSL1). Also called: Pitt-Hopkins-like syndrome 1. Identifiers: Orphanet 163681, Orphanet 221150, MedGen C2750246, MONDO:0012400, OMIM 610042.
Autism, susceptibility to, 15. Also called: Autism susceptibility 15. Identifiers: MedGen C2677504, MONDO:0012801, OMIM 612100.

Allele frequency attached by ClinVar (database versions not stated): ExAC 0.00001; TOPMed 0.00005; ESP Exome Variant Server 0.00015.
gnomAD v4.1: 25 of 1,613,850 alleles (0.0015%); highest among the groups gnomAD compares: Admixed American, 0.0083%; no homozygotes.

Submissions (9):

Women's Health and Genetics/Laboratory Corporation of America, LabCorp
Classification: Uncertain significance. Last evaluated: 2026-06-25. Review status: criteria provided, single submitter. Criteria: LabCorp Variant Classification Summary - May 2015. Collection method: clinical testing. Allele origin: germline.
Comment: Variant summary: CNTNAP2 c.1709C>T (p.Ser570Leu) results in a non-conservative amino acid change in the encoded protein sequence. Algorithms developed to predict the effect of missense changes on protein structure and function are either unavailable or do not agree on the potential impact of this missense change. The variant allele was found at a frequency of 8e-06 in 251472 control chromosomes. The available data on variant occurrences in the general population are insufficient to allow any conclusion about variant significance. c.1709C>T has been observed in a patient with absent corpus callosum who carried other variants of uncertain significance (Cornthwaite_2022). These report(s) do not provide unequivocal conclusions about association of the variant with disease. To our knowledge, no experimental evidence demonstrating an impact on protein function has been reported. The following publication has been ascertained in the context of this evaluation (PMID: 36068917). ClinVar contains an entry for this variant (Variation ID: 205215). Based on the evidence outlined above, the variant was classified as uncertain significance.

GeneDx
Classification: Uncertain significance. Last evaluated: 2026-02-09. Review status: criteria provided, single submitter. Criteria: GeneDx Variant Classification Process June 2021. Collection method: clinical testing. Allele origin: germline. Affected: yes.
Comment: Seen with another variant on the opposite allele (in trans) in a patient with absent corpus callosum in published literature (PMID: 36068917); In silico analysis supports that this missense variant has a deleterious effect on protein structure/function; This variant is associated with the following publications: (PMID: 30567904, 36068917)

Blueprint Genetics
Classification: Uncertain significance. Last evaluated: 2024-11-26. Review status: criteria provided, single submitter. Criteria: ACMG Guidelines, 2015. Collection method: clinical testing. Allele origin: germline.

Labcorp Genetics (formerly Invitae), Labcorp
Classification: Uncertain significance for Cortical dysplasia-focal epilepsy syndrome. Last evaluated: 2022-09-15. Review status: criteria provided, single submitter. Criteria: Invitae Variant Classification Sherloc (09022015). Collection method: clinical testing. Allele origin: germline.
Comment: This sequence change replaces serine, which is neutral and polar, with leucine, which is neutral and non-polar, at codon 570 of the CNTNAP2 protein (p.Ser570Leu). This variant is present in population databases (rs377627481, gnomAD 0.006%). This variant has not been reported in the literature in individuals affected with CNTNAP2-related conditions. ClinVar contains an entry for this variant (Variation ID: 205215). Algorithms developed to predict the effect of missense changes on protein structure and function are either unavailable or do not agree on the potential impact of this missense change (SIFT: "Deleterious"; PolyPhen-2: "Possibly Damaging"; Align-GVGD: "Class C0"). In summary, the available evidence is currently insufficient to determine the role of this variant in disease. Therefore, it has been classified as a Variant of Uncertain Significance.

Ambry Genetics
Classification: Uncertain significance for Inborn genetic diseases. Last evaluated: 2022-05-26. Review status: criteria provided, single submitter. Criteria: Ambry Variant Classification Scheme 2023. Collection method: clinical testing. Allele origin: germline.

Fulgent Genetics
Classification: Uncertain significance for Cortical dysplasia-focal epilepsy syndrome; Autism, susceptibility to, 15. Last evaluated: 2018-10-31. Review status: criteria provided, single submitter. Criteria: ACMG Guidelines, 2015. Collection method: clinical testing. Allele origin: unknown.

Illumina Laboratory Services, Illumina
Classification: Uncertain significance for Cortical dysplasia-focal epilepsy syndrome. Last evaluated: 2018-01-13. Review status: criteria provided, single submitter. Criteria: ICSL Variant Classification Criteria 13 December 2019. Collection method: clinical testing. Allele origin: germline.

Center for Pediatric Genomic Medicine, Children's Mercy Hospital and Clinics
Classification: Uncertain significance. Last evaluated: 2017-09-01. Review status: criteria provided, single submitter. Criteria: ACMG Guidelines, 2015. Collection method: clinical testing. Allele origin: germline.

PreventionGenetics, part of Exact Sciences
Classification: Uncertain significance for CNTNAP2-related condition. Last evaluated: 2023-10-23. Review status: no assertion criteria provided. Collection method: clinical testing. Allele origin: germline. Not counted in ClinVar's aggregate classification.
Comment: The CNTNAP2 c.1709C>T variant is predicted to result in the amino acid substitution p.Ser570Leu. This variant was reported in the compound heterozygous state with another CNTNAP2 missense alteration in a fetus with agenesis of the corpus callosum (Cornthwaite et al. 2022. PubMed ID:36068917). This variant is reported in 0.0058% of alleles in individuals of Latino descent in gnomAD. At this time, the clinical significance of this variant is uncertain due to the absence of conclusive functional and genetic evidence.

Literature cited by the submitters: PubMed 36068917 (cited by Women's Health and Genetics/Laboratory Corporation of America, LabCorp).